The following is an entry in ClinVar:

ClinVar aggregate classification (germline): Pathogenic/Likely pathogenic. Review status: criteria provided, multiple submitters, no conflicts (2 of 4 stars). 2 submissions from 2 submitters: Pathogenic (1); Likely pathogenic (1). Last evaluated 2024-08-01.

Conditions:
Cohen syndrome (COH1). Also called: PEPPER SYNDROME; Cutis verticis gyrata, retinitis pigmentosa, and sensorineural deafness. Identifiers: Orphanet 193, MedGen C0265223, MONDO:0008999, OMIM 216550.

gnomAD v4.1: 1 of 1,613,748 alleles (0.000062%); highest among the groups gnomAD compares: Non-Finnish European, 0.000085%; no homozygotes.

Submissions (2):

Centro Nacional de Genética Medica, Administración Nacional de Laboratorios e Institutos de Salud (ANLIS) “Dr. Carlos G Malbrán”
Classification: Pathogenic for Cohen syndrome. Last evaluated: 2024-08-01. Review status: criteria provided, single submitter. Criteria: ACMG Guidelines, 2015. Collection method: research. Allele origin: germline. Affected: yes. Observed: 1 variant allele.
Comment: The c.580+1G>A, variant found is located in exon 5 of the VPS13B gene. The variant found in the VPS13B gene is reported in ClinVar (RCV002021487) in a patient with Cohen's syndrome and classified as pathogenic. Loss-of-function variants are a common pathogenic mechanism in the VPS13B gene (PVS1). The variant found is found at very low frequency in population databases such as GnomAD, ExAc, or 1000 Genomes (PM2_Supporting).

Labcorp Genetics (formerly Invitae), Labcorp
Classification: Likely pathogenic for Cohen syndrome. Last evaluated: 2023-08-14. Review status: criteria provided, single submitter. Criteria: Invitae Variant Classification Sherloc (09022015). Collection method: clinical testing. Allele origin: germline.
Comment: This variant is not present in population databases (gnomAD no frequency). This sequence change affects a donor splice site in intron 5 of the VPS13B gene. It is expected to disrupt RNA splicing. Variants that disrupt the donor or acceptor splice site typically lead to a loss of protein function (PMID: 16199547), and loss-of-function variants in VPS13B are known to be pathogenic (PMID: 15141358, 16648375, 20461111). This variant has not been reported in the literature in individuals affected with VPS13B-related conditions. ClinVar contains an entry for this variant (Variation ID: 1518080). Algorithms developed to predict the effect of sequence changes on RNA splicing suggest that this variant may disrupt the consensus splice site. In summary, the currently available evidence indicates that the variant is pathogenic, but additional data are needed to prove that conclusively. Therefore, this variant has been classified as Likely Pathogenic.

Literature cited by the submitters: PubMed 21353197 (cited by Centro Nacional de Genética Medica, Administración Nacional de Laboratorios e Institutos de Salud (ANLIS) “Dr. Carlos G Malbrán”); PubMed 16199547 (cited by Centro Nacional de Genética Medica, Administración Nacional de Laboratorios e Institutos de Salud (ANLIS) “Dr. Carlos G Malbrán” and Labcorp Genetics (formerly Invitae), Labcorp); PubMed 20921020 (cited by Centro Nacional de Genética Medica, Administración Nacional de Laboratorios e Institutos de Salud (ANLIS) “Dr. Carlos G Malbrán”); PubMed 15141358 (cited by Labcorp Genetics (formerly Invitae), Labcorp); PubMed 16648375 (cited by Labcorp Genetics (formerly Invitae), Labcorp); PubMed 20461111 (cited by Labcorp Genetics (formerly Invitae), Labcorp).

NM_152564.5(VPS13B):c.580+1G>A

Gene: VPS13B (vacuolar protein sorting 13 homolog B; plus strand). Cytogenetic location: 8q22.2.
Variant type: single nucleotide variant.
Coding change: c.580+1G>A on transcript NM_152564.5 (MANE Select); the canonical splice donor site of the intron after coding-DNA position 580, G replaced by A.
Molecular consequence: splice donor variant.
Genome position (GRCh38, 1-based): chr8:99,103,121, G>A. VCF-style: chr8-99103121-G-A. GRCh37 (hg19) VCF-style: chr8-100115349-G-A.
Other names: c.580+1G>A; c.580+1G>A (NM_017890.5, NM_015243.3, NM_181661.3).
Identifiers: ClinVar variation 1518080 (VCV001518080.7), dbSNP rs1846848656, ClinGen allele CA371859573.